The following is an entry in ClinVar:

ClinVar aggregate classification (germline): Conflicting classifications of pathogenicity. Review status: criteria provided, conflicting classifications (1 of 4 stars). 4 submissions from 4 submitters: Likely pathogenic (1); Uncertain significance (3). Last evaluated 2025-03-02.

Conditions:
Ehlers-Danlos syndrome, type 4 (EDSVASC). Also called: Ehlers-Danlos syndrome vascular type; Ehlers Danlos syndrome, ecchymotic type; Ehlers Danlos syndrome, arterial type; Ehlers Danlos syndrome, Sack-Barabas type; Ehlers-Danlos Syndrome Type IV. Identifiers: Orphanet 286, MedGen C0268338, MONDO:0017314, OMIM 130050.
Familial thoracic aortic aneurysm and aortic dissection (TAAD). Also called: Thoracic aortic aneurysms and dissections. Identifiers: Orphanet 91387, MedGen C4707243, MONDO:0019625.
Polymicrogyria with or without vascular-type Ehlers-Danlos syndrome. Identifiers: Orphanet 636941, MedGen C5193040, MONDO:0032688, OMIM 618343.

Allele frequency attached by ClinVar (database versions not stated): gnomAD 0.00001; TOPMed 0.00001; gnomAD exomes 0.00002.
gnomAD v4.1: 29 of 1,593,608 alleles (0.0018%); highest among the groups gnomAD compares: Non-Finnish European, 0.0025%; no homozygotes.

Submissions (4):

Labcorp Genetics (formerly Invitae), Labcorp
Classification: Uncertain significance for Ehlers-Danlos syndrome, type 4. Last evaluated: 2025-03-02. Review status: criteria provided, single submitter. Criteria: Invitae Variant Classification Sherloc (09022015). Collection method: clinical testing. Allele origin: germline.
Comment: This sequence change replaces proline, which is neutral and non-polar, with glutamine, which is neutral and polar, at codon 755 of the COL3A1 protein (p.Pro755Gln). This variant is not present in population databases (gnomAD no frequency). This variant has not been reported in the literature in individuals affected with COL3A1-related conditions. ClinVar contains an entry for this variant (Variation ID: 529325). Invitae Evidence Modeling of protein sequence and biophysical properties (such as structural, functional, and spatial information, amino acid conservation, physicochemical variation, residue mobility, and thermodynamic stability) indicates that this missense variant is not expected to disrupt COL3A1 protein function with a negative predictive value of 95%. In summary, the available evidence is currently insufficient to determine the role of this variant in disease. Therefore, it has been classified as a Variant of Uncertain Significance.

All of Us Research Program, National Institutes of Health
Classification: Uncertain significance for Ehlers-Danlos syndrome, type 4. Last evaluated: 2023-10-23. Review status: criteria provided, single submitter. Criteria: ACMG Guidelines, 2015. Collection method: clinical testing. Allele origin: germline. Inheritance: Autosomal dominant inheritance. Observed: 3 variant alleles, 3 heterozygotes.
Comment: This missense variant replaces proline with glutamine at codon 755 of the COL3A1 protein. Computational prediction is inconclusive regarding the impact of this variant on protein structure and function (internally defined REVEL score threshold 0.5 < inconclusive < 0.7, PMID: 27666373). To our knowledge, functional studies have not been reported for this variant. This variant has not been reported in individuals affected with cardiovascular disorders in the literature. This variant has not been identified in the general population by the Genome Aggregation Database (gnomAD). The available evidence is insufficient to determine the role of this variant in disease conclusively. Therefore, this variant is classified as a Variant of Uncertain Significance.

This study involves interpretation of variants in research participants for the purpose of population health screening. Participant phenotype was not available at the time of variant classification. Additional details can be found in publication PMID: 35346344, PMCID: PMC8962531

Color Diagnostics, LLC DBA Color Health
Classification: Uncertain significance for Familial thoracic aortic aneurysm and aortic dissection. Last evaluated: 2023-09-07. Review status: criteria provided, single submitter. Criteria: ACMG Guidelines, 2015. Collection method: clinical testing. Allele origin: germline.
Comment: This missense variant replaces proline with glutamine at codon 755 of the COL3A1 protein. Computational prediction is inconclusive regarding the impact of this variant on protein structure and function (internally defined REVEL score threshold 0.5 < inconclusive < 0.7, PMID: 27666373). To our knowledge, functional studies have not been reported for this variant. This variant has not been reported in individuals affected with COL3A1-related disorders in the literature. This variant has not been identified in the general population by the Genome Aggregation Database (gnomAD). The available evidence is insufficient to determine the role of this variant in disease conclusively. Therefore, this variant is classified as a Variant of Uncertain Significance.

Laboratory of Medical Genetics, National & Kapodistrian University of Athens
Classification: Likely pathogenic for Polymicrogyria with or without vascular-type Ehlers-Danlos syndrome. Last evaluated: 2022-03-28. Review status: criteria provided, single submitter. Criteria: ACMG Guidelines, 2015. Collection method: clinical testing. Allele origin: germline. Affected: yes.
Comment: PM1, PM2, PP2, PP3

NM_000090.4(COL3A1):c.2264C>A (p.Pro755Gln)

Gene: COL3A1 (collagen type III alpha 1 chain; plus strand). Cytogenetic location: 2q32.2.
Variant type: single nucleotide variant.
Coding change: c.2264C>A on transcript NM_000090.4 (MANE Select); coding-DNA position 2264, C replaced by A.
Protein change: p.Pro755Gln; replaces proline 755 with glutamine.
Molecular consequence: missense variant.
Genome position (GRCh38, 1-based): chr2:188,999,876, C>A. VCF-style: chr2-188999876-C-A. GRCh37 (hg19) VCF-style: chr2-189864602-C-A.
Other names: short protein forms P755Q.
Identifiers: ClinVar variation 529325 (VCV000529325.11), dbSNP rs1553508711, ClinGen allele CA349841173.